The following is an entry in ClinVar:

ClinVar aggregate classification (germline): Uncertain significance. Review status: criteria provided, multiple submitters, no conflicts (2 of 4 stars). 3 submissions from 3 submitters: Uncertain significance (3). Last evaluated 2025-11-04.

Conditions:
Global developmental delay - lung cysts - overgrowth - Wilms tumor syndrome. Also called: GLOBAL DEVELOPMENTAL DELAY, LUNG CYSTS, OVERGROWTH, AND WILMS TUMOR; GLOW Syndrome. Identifiers: Orphanet 404476, MedGen C4748924, MONDO:0018445, OMIM 618272.
Euthyroid goiter (MNG1). Also called: Goiter, multinodular 1, with or without Sertoli-Leydig cell tumors; GOITER, NONTOXIC, WITH INTRATHYROIDAL CALCIFICATION; MULTINODULAR GOITER, ADOLESCENT; SIMPLE GOITER. Identifiers: Orphanet 276399, MedGen C0302859, MONDO:0007681, OMIM 138800, HP:0009798.
Pleuropulmonary blastoma (PPB). Identifiers: Orphanet 64742, MedGen C1266144, MONDO:0011014, OMIM 601200, HP:0100528.
Rhabdomyosarcoma, embryonal, 2 (RMSE2). Identifiers: MedGen C1867234, MONDO:0859046, OMIM 180295.
DICER1-related tumor predisposition. Also called: DICER1-related pleuropulmonary blastoma cancer predisposition syndrome; DICER1 syndrome. Identifiers: Orphanet 284343, MedGen C3839822, MONDO:0100216.
Hereditary cancer-predisposing syndrome. Also called: Neoplastic Syndromes, Hereditary; Tumor predisposition; Hereditary Cancer Syndrome; Hereditary neoplastic syndrome. Identifiers: Orphanet 140162, MedGen C0027672, MeSH D009386, MONDO:0015356.

gnomAD v4.1: 7 of 1,614,012 alleles (0.00043%); highest among the groups gnomAD compares: South Asian, 0.0011%; no homozygotes.

Submissions (3):

Labcorp Genetics (formerly Invitae), Labcorp
Classification: Uncertain significance for DICER1-related tumor predisposition. Last evaluated: 2025-11-04. Review status: criteria provided, single submitter. Criteria: Invitae Variant Classification Sherloc (09022015). Collection method: clinical testing. Allele origin: germline.
Comment: This sequence change replaces arginine, which is basic and polar, with histidine, which is basic and polar, at codon 1368 of the DICER1 protein (p.Arg1368His). This variant is present in population databases (no rsID available, gnomAD 0.003%). This variant has not been reported in the literature in individuals affected with DICER1-related conditions. ClinVar contains an entry for this variant (Variation ID: 543608). Invitae Evidence Modeling of protein sequence and biophysical properties (such as structural, functional, and spatial information, amino acid conservation, physicochemical variation, residue mobility, and thermodynamic stability) indicates that this missense variant is not expected to disrupt DICER1 protein function with a negative predictive value of 95%. In summary, the available evidence is currently insufficient to determine the role of this variant in disease. Therefore, it has been classified as a Variant of Uncertain Significance.

Ambry Genetics
Classification: Uncertain significance for Hereditary cancer-predisposing syndrome. Last evaluated: 2025-06-23. Review status: criteria provided, single submitter. Criteria: Ambry Variant Classification Scheme 2023. Collection method: clinical testing. Allele origin: germline.
Comment: The p.R1368H variant (also known as c.4103G>A), located in coding exon 21 of the DICER1 gene, results from a G to A substitution at nucleotide position 4103. The arginine at codon 1368 is replaced by histidine, an amino acid with highly similar properties. This amino acid position is highly conserved in available vertebrate species. In addition, this alteration is predicted to be deleterious by in silico analysis. Since supporting evidence is limited at this time, the clinical significance of this alteration remains unclear.

Fulgent Genetics
Classification: Uncertain significance for Euthyroid goiter; Rhabdomyosarcoma, embryonal, 2; Pleuropulmonary blastoma; Global developmental delay - lung cysts - overgrowth - Wilms tumor syndrome. Last evaluated: 2024-01-18. Review status: criteria provided, single submitter. Criteria: ACMG Guidelines, 2015. Collection method: clinical testing. Allele origin: germline.

NM_177438.3(DICER1):c.4103G>A (p.Arg1368His)

Gene: DICER1 (dicer 1, ribonuclease III; minus strand). Cytogenetic location: 14q32.13.
Variant type: single nucleotide variant.
Coding change: c.4103G>A on transcript NM_177438.3 (MANE Select); coding-DNA position 4103, G replaced by A.
Protein change: p.Arg1368His; replaces arginine 1368 with histidine.
Molecular consequence: missense variant.
Genome position (GRCh38, 1-based): chr14:95,099,883, C>T on the plus strand (G>A on the coding strand, the complement: DICER1 is on the minus strand). VCF-style: chr14-95099883-C-T. GRCh37 (hg19) VCF-style: chr14-95566220-C-T.
Other names: c.4103G>A, p.Arg1368His (NM_001195573.1, NM_001271282.3, NM_001291628.2 and 1 more transcripts); short protein forms R1368H.
Identifiers: ClinVar variation 543608 (VCV000543608.16), dbSNP rs767112987, ClinGen allele CA390872124.